The following is an entry in ClinVar:

ClinVar aggregate classification (germline): Pathogenic (1 of 4 stars; one submission).

Submission:

Labcorp Genetics (formerly Invitae), Labcorp
Classification: Pathogenic. Last evaluated: 2025-05-24. Review status: criteria provided, single submitter. Criteria: Invitae Variant Classification Sherloc (09022015). Collection method: clinical testing. Allele origin: germline.
Comment: This sequence change replaces aspartic acid, which is acidic and polar, with glutamic acid, which is acidic and polar, at codon 515 of the COMP protein (p.Asp515Glu). This variant is not present in population databases (gnomAD no frequency). This missense change has been observed in individuals with pseudoachondroplasia (internal data). ClinVar contains an entry for this variant (Variation ID: 1010194). Invitae Evidence Modeling of protein sequence and biophysical properties (such as structural, functional, and spatial information, amino acid conservation, physicochemical variation, residue mobility, and thermodynamic stability) indicates that this missense variant is expected to disrupt COMP protein function with a positive predictive value of 80%. This variant disrupts the p.Asp515 amino acid residue in COMP. Other variant(s) that disrupt this residue have been determined to be pathogenic (PMID: 21922596). This suggests that this residue is clinically significant, and that variants that disrupt this residue are likely to be disease-causing. For these reasons, this variant has been classified as Pathogenic.

Literature cited by the submitters: PubMed 21922596.

NM_000095.3(COMP):c.1545C>G (p.Asp515Glu)

Gene: COMP (cartilage oligomeric matrix protein; minus strand). Cytogenetic location: 19p13.11.
Variant type: single nucleotide variant.
Coding change: c.1545C>G on transcript NM_000095.3 (MANE Select); coding-DNA position 1545, C replaced by G.
Protein change: p.Asp515Glu; replaces aspartic acid 515 with glutamic acid.
Molecular consequence: missense variant.
Genome position (GRCh38, 1-based): chr19:18,785,796, G>C on the plus strand (C>G on the coding strand, the complement: COMP is on the minus strand). VCF-style: chr19-18785796-G-C. GRCh37 (hg19) VCF-style: chr19-18896606-G-C.
Other names: short protein forms D515E.
Identifiers: ClinVar variation 1010194 (VCV001010194.8), dbSNP rs2055161717, ClinGen allele CA404883356.